The following is an entry in ClinVar:

ClinVar aggregate classification (germline): Pathogenic. Review status: criteria provided, multiple submitters, no conflicts (2 of 4 stars). 2 submissions from 2 submitters: Pathogenic (2). Last evaluated 2025-12-21.

Conditions:
Cardiovascular phenotype. Identifiers: MedGen CN230736.
Hereditary cancer-predisposing syndrome. Also called: Hereditary neoplastic syndrome; Neoplastic Syndromes, Hereditary; Tumor predisposition; Hereditary Cancer Syndrome. Identifiers: Orphanet 140162, MedGen C0027672, MeSH D009386, MONDO:0015356.
Neurofibromatosis, type 1 (NF1). Also called: VON RECKLINGHAUSEN DISEASE; Peripheral type neurofibromatosis; NEUROFIBROMATOSIS, TYPE I, SOMATIC; Neurofibromatosis, type I. Identifiers: Orphanet 636, MedGen C0027831, MONDO:0018975, OMIM 162200. Disease mechanism: loss of function.

Submissions (2):

Labcorp Genetics (formerly Invitae), Labcorp
Classification: Pathogenic for Neurofibromatosis, type 1. Last evaluated: 2025-12-21. Review status: criteria provided, single submitter. Criteria: Invitae Variant Classification Sherloc (09022015). Collection method: clinical testing. Allele origin: germline.
Comment: This sequence change creates a premature translational stop signal (p.Leu604*) in the NF1 gene. It is expected to result in an absent or disrupted protein product. Loss-of-function variants in NF1 are known to be pathogenic (PMID: 10712197, 23913538). This variant is not present in population databases (gnomAD no frequency). This premature translational stop signal has been observed in individual(s) with clinical features of NF1-related conditions (PMID: 17311297). ClinVar contains an entry for this variant (Variation ID: 484114). Algorithms developed to predict the effect of sequence changes on RNA splicing suggest that this variant may disrupt the consensus splice site. For these reasons, this variant has been classified as Pathogenic.

Ambry Genetics
Classification: Pathogenic for Cardiovascular phenotype; Hereditary cancer-predisposing syndrome. Last evaluated: 2017-04-07. Review status: criteria provided, single submitter. Criteria: Ambry Variant Classification Scheme 2023. Collection method: clinical testing. Allele origin: germline.
Comment: The p.L604* variant (also known as c.1811T>A), located in coding exon 16 of the NF1 gene, results from a T to A substitution at nucleotide position 1811. This changes the amino acid from a leucine to a stop codon within coding exon 16. This alteration has been detected in an individual with neurofibromatosis type 1 (Wimmer K et al. Hum. Mutat., 2007 Jun;28:599-612). In addition to the clinical data presented in the literature, this alteration is expected to result in loss of function by premature protein truncation or nonsense-mediated mRNA decay. As such, this alteration is interpreted as a disease-causing mutation.

Literature cited by the submitters: PubMed 10712197 (cited by Labcorp Genetics (formerly Invitae), Labcorp); PubMed 23913538 (cited by Labcorp Genetics (formerly Invitae), Labcorp); PubMed 17311297 (cited by Labcorp Genetics (formerly Invitae), Labcorp).

NM_001042492.3(NF1):c.1811T>A (p.Leu604Ter)

Gene: NF1 (neurofibromin 1; plus strand). Cytogenetic location: 17q11.2.
Variant type: single nucleotide variant.
Coding change: c.1811T>A on transcript NM_001042492.3 (MANE Select); coding-DNA position 1811, T replaced by A.
Protein change: p.Leu604Ter; replaces leucine 604 with a stop codon.
Molecular consequence: nonsense.
Genome position (GRCh38, 1-based): chr17:31,223,533, T>A. VCF-style: chr17-31223533-T-A. GRCh37 (hg19) VCF-style: chr17-29550551-T-A.
Other names: c.1811T>A, p.Leu604Ter (NM_000267.4); short protein forms L604*.
Identifiers: ClinVar variation 484114 (VCV000484114.8), dbSNP rs1555613427, ClinGen allele CA399004479.
Genomic context (GRCh38, chr17:31,223,533, plus strand): 5'-AATTAACTAGTCATCAAATGCTTAGTAGCACAGAAATTCTCAAGTGGTTGCGGGAAATAT[T>A]GATCTGCAGGAATAAATTTCTTCTTAAAAATAAGGTAAGCAAAATGACATATTTAAAAAA-3'